The following is an entry in ClinVar:

ClinVar aggregate classification (germline): Uncertain significance (1 of 4 stars; one submission).

Conditions:
Nephrotic syndrome, type 9 (NPHS9). Identifiers: Orphanet 656, MedGen C3809965, MONDO:0014257, OMIM 615573.

Allele frequency attached by ClinVar (database versions not stated): gnomAD exomes below 0.00001.
gnomAD v4.1: 2 of 1,599,958 alleles (0.00013%); highest among the groups gnomAD compares: South Asian, 0.0022%; no homozygotes.

Submission:

3billion
Classification: Uncertain significance for Nephrotic syndrome, type 9. Last evaluated: 2023-02-23. Review status: criteria provided, single submitter. Criteria: ACMG Guidelines, 2015. Collection method: clinical testing. Allele origin: unknown. Affected: yes.
Comment: The variant is observed at an extremely low frequency in the gnomAD v2.1.1 dataset (total allele frequency: <0.001%). In silico tool predictions suggest damaging effect of the variant on gene or gene product (REVEL: 0.94). Therefore, this variant is classified as VUS according to the recommendation of ACMG/AMP guideline.

NM_024876.4(COQ8B):c.451G>A (p.Gly151Arg)

Gene: COQ8B (coenzyme Q8B; minus strand). Cytogenetic location: 19q13.2.
Variant type: single nucleotide variant.
Coding change: c.451G>A on transcript NM_024876.4 (MANE Select); coding-DNA position 451, G replaced by A.
Protein change: p.Gly151Arg; replaces glycine 151 with arginine.
Molecular consequence: missense variant. On other transcripts: intron variant (1).
Genome position (GRCh38, 1-based): chr19:40,705,364, C>T on the plus strand (G>A on the coding strand, the complement: COQ8B is on the minus strand). VCF-style: chr19-40705364-C-T. GRCh37 (hg19) VCF-style: chr19-41211269-C-T.
Other names: c.368-183G>A (NM_001142555.3); short protein forms G151R.
Identifiers: ClinVar variation 2444258 (VCV002444258.1), dbSNP rs754265164, ClinGen allele CA405965799.